The following is an entry in ClinVar:

ClinVar aggregate classification (germline): Uncertain significance. Review status: criteria provided, multiple submitters, no conflicts (2 of 4 stars). 2 submissions from 2 submitters: Uncertain significance (2). Last evaluated 2025-02-06.

Conditions:
Dilated cardiomyopathy 1J (CMD1J). Also called: CARDIOMYOPATHY, DILATED, WITH SENSORINEURAL HEARING LOSS, AUTOSOMAL DOMINANT. Identifiers: Orphanet 217622, MedGen C1854368, MONDO:0011541, OMIM 605362.

Allele frequency attached by ClinVar (database versions not stated): gnomAD exomes below 0.00001; ExAC 0.00002.
gnomAD v4.1: 7 of 1,599,122 alleles (0.00044%); highest among the groups gnomAD compares: South Asian, 0.0055%; no homozygotes.

Submissions (2):

Women's Health and Genetics/Laboratory Corporation of America, LabCorp
Classification: Uncertain significance. Last evaluated: 2025-02-06. Review status: criteria provided, single submitter. Criteria: LabCorp Variant Classification Summary - May 2015. Collection method: clinical testing. Allele origin: germline.
Comment: Variant summary: EYA4 c.1202T>C (p.Met401Thr) results in a non-conservative amino acid change located in the EYA conserved domain (IPR006545) of the encoded protein sequence. Three of five in-silico tools predict a benign effect of the variant on protein function. The variant allele was found at a frequency of 1.2e-05 in 251204 control chromosomes. The available data on variant occurrences in the general population are insufficient to allow any conclusion about variant significance. To our knowledge, no occurrence of c.1202T>C in individuals affected with Dilated Cardiomyopathy and no experimental evidence demonstrating its impact on protein function have been reported. ClinVar contains an entry for this variant (Variation ID: 2968318). Based on the evidence outlined above, the variant was classified as uncertain significance.

Labcorp Genetics (formerly Invitae), Labcorp
Classification: Uncertain significance for Dilated cardiomyopathy 1J. Last evaluated: 2023-09-11. Review status: criteria provided, single submitter. Criteria: Invitae Variant Classification Sherloc (09022015). Collection method: clinical testing. Allele origin: germline.
Comment: This variant has not been reported in the literature in individuals affected with EYA4-related conditions. An algorithm developed to predict the effect of missense changes on protein structure and function (PolyPhen-2) suggests that this variant is likely to be tolerated. In summary, the available evidence is currently insufficient to determine the role of this variant in disease. Therefore, it has been classified as a Variant of Uncertain Significance. This variant is present in population databases (rs746399669, gnomAD 0.01%). This sequence change replaces methionine, which is neutral and non-polar, with threonine, which is neutral and polar, at codon 401 of the EYA4 protein (p.Met401Thr).

NM_004100.5(EYA4):c.1202T>C (p.Met401Thr)

Genes: TARID (TCF21 antisense RNA inducing promoter demethylation; minus strand), EYA4 (EYA transcriptional coactivator and phosphatase 4; plus strand), LOC126859796 (MED14-independent group 3 enhancer GRCh37_chr6:133826289-133827488; plus strand). Cytogenetic location: 6q23.2.
Variant type: single nucleotide variant.
Coding change: c.1202T>C on transcript NM_004100.5 (MANE Select); coding-DNA position 1202, T replaced by C.
Protein change: p.Met401Thr; replaces methionine 401 with threonine.
Molecular consequence: missense variant. On other transcripts: non-coding transcript variant (1).
Genome position (GRCh38, 1-based): chr6:133,506,116, T>C. VCF-style: chr6-133506116-T-C. GRCh37 (hg19) VCF-style: chr6-133827254-T-C.
Other names: c.1040T>C, p.Met347Thr (NM_001301012.2); c.1220T>C, p.Met407Thr (NM_001301013.2); c.1133T>C, p.Met378Thr (NM_001370458.1, NM_172103.4); c.1058T>C, p.Met353Thr (NM_001370459.1); c.1202T>C, p.Met401Thr (NM_172105.4); short protein forms M378T, M347T, M353T, M407T, M401T.
Identifiers: ClinVar variation 2968318 (VCV002968318.4), dbSNP rs746399669, ClinGen allele CA4008300.